The following is an entry in ClinVar:

NM_004370.6(COL12A1):c.6971T>C (p.Ile2324Thr)

Gene: COL12A1 (collagen type XII alpha 1 chain; minus strand). Cytogenetic location: 6q13.
Variant type: single nucleotide variant.
Coding change: c.6971T>C on transcript NM_004370.6 (MANE Select); coding-DNA position 6971, T replaced by C.
Protein change: p.Ile2324Thr; replaces isoleucine 2324 with threonine.
Molecular consequence: missense variant.
Genome position (GRCh38, 1-based): chr6:75,121,417, A>G on the plus strand (T>C on the coding strand, the complement: COL12A1 is on the minus strand). VCF-style: chr6-75121417-A-G. GRCh37 (hg19) VCF-style: chr6-75831133-A-G.
Other names: c.6971T>C, p.Ile2324Thr (NM_001424113.1); c.6950T>C, p.Ile2317Thr (NM_001424114.1); c.6698T>C, p.Ile2233Thr (NM_001424115.1); c.3479T>C, p.Ile1160Thr (NM_001424116.1, NM_080645.3); short protein forms I1160T, I2233T, I2317T, I2324T.
Identifiers: ClinVar variation 4791070 (VCV004791070.1).

ClinVar aggregate classification (germline): Uncertain significance (1 of 4 stars; one submission).

Conditions:
Bethlem myopathy 2 (BTHLM2). Identifiers: Orphanet 536516, Orphanet 610, MedGen C4225313, MONDO:0034022, OMIM 616471.
Ullrich congenital muscular dystrophy 2 (UCMD2). Identifiers: Orphanet 75840, MedGen C4225314, MONDO:0014654, OMIM 616470.

gnomAD v4.1: 13 of 1,603,610 alleles (0.00081%); highest among the groups gnomAD compares: East Asian, 0.018%; no homozygotes.

Submission:

Labcorp Genetics (formerly Invitae), Labcorp
Classification: Uncertain significance for Bethlem myopathy 2; Ullrich congenital muscular dystrophy 2. Last evaluated: 2025-09-28. Review status: criteria provided, single submitter. Criteria: Invitae Variant Classification Sherloc (09022015). Collection method: clinical testing. Allele origin: germline.
Comment: This sequence change replaces isoleucine, which is neutral and non-polar, with threonine, which is neutral and polar, at codon 2324 of the COL12A1 protein (p.Ile2324Thr). This variant is present in population databases (rs201513339, gnomAD no frequency). This variant has not been reported in the literature in individuals affected with COL12A1-related conditions. Invitae Evidence Modeling of protein sequence and biophysical properties (such as structural, functional, and spatial information, amino acid conservation, physicochemical variation, residue mobility, and thermodynamic stability) indicates that this missense variant is not expected to disrupt COL12A1 protein function with a negative predictive value of 80%. In summary, the available evidence is currently insufficient to determine the role of this variant in disease. Therefore, it has been classified as a Variant of Uncertain Significance.